The following is an entry in ClinVar:

ClinVar aggregate classification (germline): Benign/Likely benign. Review status: criteria provided, multiple submitters, no conflicts (2 of 4 stars). 5 submissions from 5 submitters: Benign (3); Likely benign (1). 1 of the submissions does not count toward it. Last evaluated 2026-01-27.

Conditions:
Inborn genetic diseases. Identifiers: MedGen C0950123, MeSH D030342.
Familial episodic pain syndrome with predominantly lower limb involvement. Also called: Episodic pain syndrome, familial, 3. Identifiers: Orphanet 391384, Orphanet 391392, MedGen C3809899, MONDO:0014247, OMIM 615552.
Hereditary sensory and autonomic neuropathy type 7. Also called: HSAN VII; Neuropathy, hereditary sensory and autonomic, type VII. Identifiers: Orphanet 391397, MedGen C3809882, MONDO:0014244, OMIM 615548.

Allele frequency attached by ClinVar (database versions not stated): ExAC 0.00068; 1000 Genomes Project 0.00080; 1000 Genomes Project 30x 0.00125; gnomAD 0.00228 and 0.00249; TOPMed 0.00273; ESP Exome Variant Server 0.00308.
gnomAD v4.1: 648 of 1,613,906 alleles (0.04%); highest among the groups gnomAD compares: African/African-American, 0.73%; 3 homozygotes.

Submissions (5):

Labcorp Genetics (formerly Invitae), Labcorp
Classification: Benign for Familial episodic pain syndrome with predominantly lower limb involvement; Hereditary sensory and autonomic neuropathy type 7. Last evaluated: 2026-01-27. Review status: criteria provided, single submitter. Criteria: Invitae Variant Classification Sherloc (09022015). Collection method: clinical testing. Allele origin: germline.

CeGaT Center for Human Genetics Tuebingen
Classification: Benign. Last evaluated: 2022-07-01. Review status: criteria provided, single submitter. Criteria: CeGaT Center For Human Genetics Tuebingen Variant Classification Criteria Version 2. Collection method: clinical testing. Allele origin: germline. Affected: yes. Observed: 1 variant allele.
Comment: SCN11A: BS1, BS2

GeneDx
Classification: Benign. Last evaluated: 2020-05-04. Review status: criteria provided, single submitter. Criteria: GeneDx Variant Classification Process June 2021. Collection method: clinical testing. Allele origin: germline. Affected: yes.

Ambry Genetics
Classification: Likely benign for Inborn genetic diseases. Last evaluated: 2019-09-27. Review status: criteria provided, single submitter. Criteria: Ambry Variant Classification Scheme 2023. Collection method: clinical testing. Allele origin: germline.

Department of Pathology and Laboratory Medicine, Sinai Health System
Classification: Uncertain significance. Review status: no assertion criteria provided. Collection method: clinical testing. Allele origin: unknown. Affected: yes. Study: The Canadian Open Genetics Repository (COGR). Not counted in ClinVar's aggregate classification.
Comment: The SCN11A p.Ile201Phe variant was not identified in the literature but was identified in dbSNP (ID: rs139915721), ClinVar (classified as benign by Invitae), and LOVD 3.0. The variant was identified in control databases in 196 of 282460 chromosomes at a frequency of 0.0006939 increasing the likelihood this could be a low frequency benign variant (Genome Aggregation Database March 6, 2019, v2.1.1). The variant was observed in the following populations: African in 178 of 24940 chromosomes (freq: 0.007137), Other in 3 of 7196 chromosomes (freq: 0.000417), Latino in 14 of 35356 chromosomes (freq: 0.000396), South Asian in 1 of 30570 chromosomes (freq: 0.000033), but was not observed in the Ashkenazi Jewish, East Asian, European (Finnish), and European (non-Finnish) populations. The p.Ile201 residue is not conserved in mammals and four of five computational analyses (PolyPhen-2, SIFT, AlignGVGD, BLOSUM, MutationTaster) do not suggest a high likelihood of impact to the protein; however this information is not predictive enough to rule out pathogenicity. The variant occurs outside of the splicing consensus sequence and in silico or computational prediction software programs (SpliceSiteFinder, MaxEntScan, NNSPLICE, GeneSplicer) do not predict a difference in splicing. In summary, based on the above information the clinical significance of this variant cannot be determined with certainty at this time although we would lean towards a more benign role for this variant. This variant is classified as likely benign.

NM_001349253.2(SCN11A):c.601A>T (p.Ile201Phe)

Gene: SCN11A (sodium voltage-gated channel alpha subunit 11; minus strand). Cytogenetic location: 3p22.2.
Variant type: single nucleotide variant.
Coding change: c.601A>T on transcript NM_001349253.2 (MANE Select); coding-DNA position 601, A replaced by T.
Protein change: p.Ile201Phe; replaces isoleucine 201 with phenylalanine.
Molecular consequence: missense variant.
Genome position (GRCh38, 1-based): chr3:38,926,819, T>A on the plus strand (A>T on the coding strand, the complement: SCN11A is on the minus strand). VCF-style: chr3-38926819-T-A. GRCh37 (hg19) VCF-style: chr3-38968310-T-A.
Other names: c.601A>T, p.Ile201Phe (NM_014139.3); short protein forms I201F.
Identifiers: ClinVar variation 697427 (VCV000697427.39), dbSNP rs139915721, ClinGen allele CA2322583.